The following is an entry in ClinVar:

ClinVar aggregate classification (germline): Conflicting classifications of pathogenicity. Review status: criteria provided, conflicting classifications (1 of 4 stars). 8 submissions from 8 submitters: Uncertain significance (6); Likely benign (2). Last evaluated 2024-03-08.

Conditions:
Hereditary breast ovarian cancer syndrome. Also called: Hereditary breast and ovarian cancer; Hereditary breast and ovarian cancer syndrome; Hereditary breast and ovarian cancer syndrome (HBOC); Breast and ovarian cancer; Hereditary breast and/or ovarian cancer syndrome; BRCA1- and BRCA2-Associated Hereditary Breast and Ovarian Cancer. Identifiers: Orphanet 145, MedGen C0677776, MeSH D061325, MONDO:0003582. Disease mechanism: loss of function.
Hereditary cancer-predisposing syndrome. Also called: Tumor predisposition; Hereditary Cancer Syndrome; Neoplastic Syndromes, Hereditary; Hereditary neoplastic syndrome. Identifiers: Orphanet 140162, MedGen C0027672, MeSH D009386, MONDO:0015356.
Breast-ovarian cancer, familial, susceptibility to, 1 (BROVCA1). Also called: BRCA1 Hereditary Breast and Ovarian Cancer; OVARIAN CANCER, SUSCEPTIBILITY TO. Identifiers: Orphanet 145, MedGen C2676676, MONDO:0011450, OMIM 604370. Disease mechanism: loss of function.

Submissions (8):

Baylor Genetics
Classification: Uncertain significance for Breast-ovarian cancer, familial, susceptibility to, 1. Last evaluated: 2024-03-08. Review status: criteria provided, single submitter. Criteria: ACMG Guidelines, 2015. Collection method: clinical testing. Allele origin: unknown.

Ambry Genetics
Classification: Uncertain significance for Hereditary cancer-predisposing syndrome. Last evaluated: 2024-02-19. Review status: criteria provided, single submitter. Criteria: Ambry Variant Classification Scheme 2023. Collection method: clinical testing. Allele origin: germline.
Comment: The p.E1352V variant (also known as c.4055A>T), located in coding exon 9 of the BRCA1 gene, results from an A to T substitution at nucleotide position 4055. The glutamic acid at codon 1352 is replaced by valine, an amino acid with dissimilar properties. This amino acid position is not well conserved in available vertebrate species. In addition, the in silico prediction for this alteration is inconclusive. Based on the available evidence, the clinical significance of this alteration remains unclear.

Women's Health and Genetics/Laboratory Corporation of America, LabCorp
Classification: Uncertain significance. Last evaluated: 2024-01-17. Review status: criteria provided, single submitter. Criteria: LabCorp Variant Classification Summary - May 2015. Collection method: clinical testing. Allele origin: germline.

Labcorp Genetics (formerly Invitae), Labcorp
Classification: Uncertain significance for Hereditary breast ovarian cancer syndrome. Last evaluated: 2023-12-06. Review status: criteria provided, single submitter. Criteria: Invitae Variant Classification Sherloc (09022015). Collection method: clinical testing. Allele origin: germline.
Comment: This sequence change replaces glutamic acid, which is acidic and polar, with valine, which is neutral and non-polar, at codon 1352 of the BRCA1 protein (p.Glu1352Val). This variant is not present in population databases (gnomAD no frequency). This variant has not been reported in the literature in individuals affected with BRCA1-related conditions. ClinVar contains an entry for this variant (Variation ID: 246375). Advanced modeling of protein sequence and biophysical properties (such as structural, functional, and spatial information, amino acid conservation, physicochemical variation, residue mobility, and thermodynamic stability) performed at Invitae indicates that this missense variant is not expected to disrupt BRCA1 protein function with a negative predictive value of 95%. Algorithms developed to predict the effect of sequence changes on RNA splicing suggest that this variant may disrupt the consensus splice site. In summary, the available evidence is currently insufficient to determine the role of this variant in disease. Therefore, it has been classified as a Variant of Uncertain Significance.

All of Us Research Program, National Institutes of Health
Classification: Likely benign for Breast-ovarian cancer, familial, susceptibility to, 1. Last evaluated: 2023-03-28. Review status: criteria provided, single submitter. Criteria: ACMG Guidelines, 2015. Collection method: clinical testing. Allele origin: germline. Inheritance: Autosomal dominant inheritance. Observed: 1 variant allele, 1 heterozygote.
Comment: This study involves interpretation of variants in research participants for the purpose of population health screening. Participant phenotype was not available at the time of variant classification. Additional details can be found in publication PMID: 35346344, PMCID: PMC8962531

University of Washington Department of Laboratory Medicine, University of Washington
Classification: Likely benign for Hereditary cancer-predisposing syndrome. Last evaluated: 2023-03-23. Review status: criteria provided, single submitter. Criteria: Dines et al. (Genet Med. 2020). Collection method: curation. Allele origin: germline.
Comment: Missense variant in a coldspot region where missense variants are very unlikely to be pathogenic (PMID:31911673).

BRCA1 coldspot (exon 11 using historical exon numbering). Reclassification based on statistical prior probability

CeGaT Center for Human Genetics Tuebingen
Classification: Uncertain significance. Last evaluated: 2019-05-01. Review status: criteria provided, single submitter. Criteria: CeGaT Center For Human Genetics Tuebingen Variant Classification Criteria Version 2. Collection method: clinical testing. Allele origin: germline. Affected: yes. Observed: 2 variant alleles.

GeneDx
Classification: Uncertain significance. Last evaluated: 2016-02-03. Review status: criteria provided, single submitter. Criteria: GeneDx Variant Classification (06012015). Collection method: clinical testing. Allele origin: germline. Affected: yes.
Comment: This variant is denoted BRCA1 c.4055A>T at the cDNA level, p.Glu1352Val (E1352V) at the protein level, and results in the change of a Glutamic Acid to a Valine (GAA>GTA). Using alternate nomenclature, this variant would be defined as BRCA1 4174A>T. This variant has not, to our knowledge, been published in the literature as pathogenic or benign. BRCA1 Glu1352Val was not observed in approximately 6,500 individuals of European and African American ancestry in the NHLBI Exome Sequencing Project, suggesting it is not a common benign variant in these populations. Since Glutamic Acid and Valine differ in polarity, charge, size or other properties, this is considered a non-conservative amino acid substitution. BRCA1 Glu1352Val occurs at a position that is not conserved and is located in the SCD domain as well as a region known to interact with multiple proteins (Narod 2004, Paul 2014). In silico analyses are inconsistent regarding the effect this variant may have on protein structure and function. Based on currently available evidence, it is unclear whether BRCA1 Glu1352Val is a pathogenic or benign variant. We consider it to be a variant of uncertain significance.

NM_007294.4(BRCA1):c.4055A>T (p.Glu1352Val)

Genes: BRCA1 (BRCA1 DNA repair associated; minus strand), LOC126862571 (BRD4-independent group 4 enhancer GRCh37_chr17:41243136-41244335; plus strand). Cytogenetic location: 17q21.31.
Variant type: single nucleotide variant.
Coding change: c.4055A>T on transcript NM_007294.4 (MANE Select); coding-DNA position 4055, A replaced by T.
Protein change: p.Glu1352Val; replaces glutamic acid 1352 with valine.
Molecular consequence: missense variant. On other transcripts: intron variant (135).
Genome position (GRCh38, 1-based): chr17:43,091,476, T>A on the plus strand (A>T on the coding strand, the complement: BRCA1 is on the minus strand). VCF-style: chr17-43091476-T-A. GRCh37 (hg19) VCF-style: chr17-41243493-T-A.
Other names: c.3842A>T, p.Glu1281Val (NM_001407571.1, NM_001407853.1, NM_001407894.1 and 9 more transcripts); c.4055A>T, p.Glu1352Val (NM_001407581.1, NM_001407582.1, NM_001407583.1 and 30 more transcripts); c.4052A>T, p.Glu1351Val (NM_001407587.1, NM_001407590.1, NM_001407591.1 and 22 more transcripts); c.4046A>T, p.Glu1349Val (NM_001407646.1, NM_001407647.1); c.3932A>T, p.Glu1311Val (NM_001407648.1, NM_001407664.1, NM_001407665.1 and 19 more transcripts); c.3929A>T, p.Glu1310Val (NM_001407649.1, NM_001407670.1, NM_001407671.1 and 11 more transcripts); c.3977A>T, p.Glu1326Val (NM_001407653.1, NM_001407654.1, NM_001407655.1 and 4 more transcripts); c.3974A>T, p.Glu1325Val (NM_001407659.1, NM_001407660.1, NM_001407661.1 and 1 more transcripts); and 41 more; short protein forms E1352V, E1305V, E1284V, E1326V, E1184V, E1240V, E1241V, E1281V.
Identifiers: ClinVar variation 246375 (VCV000246375.59), dbSNP rs879254228, ClinGen allele CA10584558.